The following is an entry in ClinVar:

NM_000064.4(C3):c.1399_1406del (p.Pro467fs)

Gene: C3 (complement C3; minus strand). Cytogenetic location: 19p13.3.
Variant type: Deletion.
Coding change: c.1399_1406del on transcript NM_000064.4 (MANE Select); coding-DNA positions 1399 to 1406, 8 bases deleted (CCCGGGGA; older notation c.1399_1406delCCCGGGGA).
Protein change: p.Pro467fs; shifts the reading frame from proline 467.
Molecular consequence: frameshift variant.
Genome position (GRCh38, 1-based): chr19:6,711,060-6,711,067, TCCCCGGG deleted on the plus strand (CCCGGGGA on the coding strand, the reverse complement: C3 is on the minus strand); deleting any 8 consecutive bases within chr19:6,711,060-6,711,069 gives the same sequence; the c. name uses the placement nearest the transcript's 3' end. VCF-style (leftmost placement, unchanged base first): chr19-6711059-CTCCCCGGG-C. GRCh37 (hg19) VCF-style: chr19-6711070-CTCCCCGGG-C.
Other names: short protein forms P467fs.
Identifiers: ClinVar variation 2880879 (VCV002880879.3), dbSNP rs2512262623, ClinGen allele CA2739276407.

ClinVar aggregate classification (germline): Pathogenic (1 of 4 stars; one submission).

Submission:

Labcorp Genetics (formerly Invitae), Labcorp
Classification: Pathogenic. Last evaluated: 2025-09-03. Review status: criteria provided, single submitter. Criteria: Invitae Variant Classification Sherloc (09022015). Collection method: clinical testing. Allele origin: germline.
Comment: This sequence change creates a premature translational stop signal (p.Pro467Aspfs*119) in the C3 gene. It is expected to result in an absent or disrupted protein product. Loss-of-function variants in C3 are known to be pathogenic (PMID: 12462331, 14639503, 21501302). This variant is not present in population databases (gnomAD no frequency). This variant has not been reported in the literature in individuals affected with C3-related conditions. ClinVar contains an entry for this variant (Variation ID: 2880879). For these reasons, this variant has been classified as Pathogenic.

Literature cited by the submitters: PubMed 12462331; PubMed 14639503; PubMed 21501302.